The following is an entry in ClinVar:

ClinVar aggregate classification (germline): Pathogenic (1 of 4 stars; one submission).

Conditions:
Nephronophthisis. Also called: Juvenile Nephronophthisis. Identifiers: Orphanet 655, MedGen C0687120, MONDO:0019005, HP:0000090.
Jeune thoracic dystrophy. Also called: Jeune syndrome; Infantile thoracic dystrophy; Thoracic pelvic phalangeal dystrophy; Jeune's syndrome; Chondroectodermal dysplasia-like syndrome; Short-rib thoracic dysplasia. Identifiers: Orphanet 474, MedGen C0265275, MONDO:0018770.

Submission:

Labcorp Genetics (formerly Invitae), Labcorp
Classification: Pathogenic for Jeune thoracic dystrophy; Nephronophthisis. Last evaluated: 2022-08-06. Review status: criteria provided, single submitter. Criteria: Invitae Variant Classification Sherloc (09022015). Collection method: clinical testing. Allele origin: germline.
Comment: For these reasons, this variant has been classified as Pathogenic. This variant has not been reported in the literature in individuals affected with TTC21B-related conditions. This variant is not present in population databases (gnomAD no frequency). This sequence change creates a premature translational stop signal (p.Glu819*) in the TTC21B gene. It is expected to result in an absent or disrupted protein product. Loss-of-function variants in TTC21B are known to be pathogenic (PMID: 18327258, 21068128, 21258341, 23559409, 24876116, 25492405, 27491411, 29068549).

Literature cited by the submitters: PubMed 18327258; PubMed 21068128; PubMed 21258341; PubMed 23559409; PubMed 24876116; PubMed 25492405; PubMed 27491411; PubMed 29068549.

NM_024753.5(TTC21B):c.2455G>T (p.Glu819Ter)

Gene: TTC21B (tetratricopeptide repeat domain 21B; minus strand). Cytogenetic location: 2q24.3.
Variant type: single nucleotide variant.
Coding change: c.2455G>T on transcript NM_024753.5 (MANE Select); coding-DNA position 2455, G replaced by T.
Protein change: p.Glu819Ter; replaces glutamic acid 819 with a stop codon.
Molecular consequence: nonsense.
Genome position (GRCh38, 1-based): chr2:165,911,333, C>A on the plus strand (G>T on the coding strand, the complement: TTC21B is on the minus strand). VCF-style: chr2-165911333-C-A. GRCh37 (hg19) VCF-style: chr2-166767843-C-A.
Other names: short protein forms E819*.
Identifiers: ClinVar variation 1971343 (VCV001971343.5), dbSNP rs2468165481, ClinGen allele CA349056873.